The following is an entry in ClinVar:

NM_000326.5(RLBP1):c.26G>A (p.Arg9His)

Gene: RLBP1 (retinaldehyde binding protein 1; minus strand). Cytogenetic location: 15q26.1.
Variant type: single nucleotide variant.
Coding change: c.26G>A on transcript NM_000326.5 (MANE Select); coding-DNA position 26, G replaced by A.
Protein change: p.Arg9His; replaces arginine 9 with histidine.
Molecular consequence: missense variant.
Genome position (GRCh38, 1-based): chr15:89,218,680, C>T on the plus strand (G>A on the coding strand, the complement: RLBP1 is on the minus strand). VCF-style: chr15-89218680-C-T. GRCh37 (hg19) VCF-style: chr15-89761911-C-T.
Other names: short protein forms R9H.
Identifiers: ClinVar variation 1347357 (VCV001347357.4), dbSNP rs201258558, ClinGen allele CA7722405.
Genomic context (GRCh38, chr15:89,218,680, plus strand): 5'-TCCTTGGTTGTGAGCTGCTCCAGTTGGGCACGGAGCTCCTGTTCCTCTTCAGGTACCATG[C>T]GGAACGTGCCCACCTGGGCAGAGAAAGGAAAAAGAGGAACAGCCAACCGCATCAGCCTGA-3'
Protein context (NP_000317.1, residues 1-19): MSEGVGTF[Arg9His]MVPEEEQELR

ClinVar aggregate classification (germline): Uncertain significance. Review status: criteria provided, multiple submitters, no conflicts (2 of 4 stars). 2 submissions from 2 submitters: Uncertain significance (2). Last evaluated 2023-04-17.

Allele frequency attached by ClinVar (database versions not stated): gnomAD 0.00001; ExAC 0.00002; ESP Exome Variant Server 0.00015.
gnomAD v4.1: 26 of 1,614,022 alleles (0.0016%); highest among the groups gnomAD compares: South Asian, 0.0044%; no homozygotes.

Submissions (2):

Blueprint Genetics
Classification: Uncertain significance. Last evaluated: 2023-04-17. Review status: criteria provided, single submitter. Criteria: ACMG Guidelines, 2015. Collection method: clinical testing. Allele origin: germline.

Labcorp Genetics (formerly Invitae), Labcorp
Classification: Uncertain significance. Last evaluated: 2021-10-30. Review status: criteria provided, single submitter. Criteria: Invitae Variant Classification Sherloc (09022015). Collection method: clinical testing. Allele origin: germline.
Comment: This sequence change replaces arginine, which is basic and polar, with histidine, which is basic and polar, at codon 9 of the RLBP1 protein (p.Arg9His). This variant is present in population databases (rs201258558, gnomAD 0.006%). This missense change has been observed in individual(s) with retinitis punctata albescens (Invitae). Algorithms developed to predict the effect of missense changes on protein structure and function are either unavailable or do not agree on the potential impact of this missense change (SIFT: "Deleterious"; PolyPhen-2: "Probably Damaging"; Align-GVGD: "Class C0"). This variant disrupts the p.Arg9 amino acid residue in RLBP1. Other variant(s) that disrupt this residue have been determined to be pathogenic (PMID: 23929416, 32188692). This suggests that this residue is clinically significant, and that variants that disrupt this residue are likely to be disease-causing. In summary, the available evidence is currently insufficient to determine the role of this variant in disease. Therefore, it has been classified as a Variant of Uncertain Significance.

Literature cited by the submitters: PubMed 23929416 (cited by Labcorp Genetics (formerly Invitae), Labcorp); PubMed 32188692 (cited by Labcorp Genetics (formerly Invitae), Labcorp).